The following is an entry in ClinVar:

ClinVar aggregate classification (germline): Uncertain significance (1 of 4 stars; one submission).

Submission:

Labcorp Genetics (formerly Invitae), Labcorp
Classification: Uncertain significance. Last evaluated: 2025-06-12. Review status: criteria provided, single submitter. Criteria: Invitae Variant Classification Sherloc (09022015). Collection method: clinical testing. Allele origin: germline.
Comment: This sequence change replaces proline, which is neutral and non-polar, with leucine, which is neutral and non-polar, at codon 596 of the SIX5 protein (p.Pro596Leu). This variant is present in population databases (rs367749386, gnomAD 0.02%). This variant has not been reported in the literature in individuals affected with SIX5-related conditions. ClinVar contains an entry for this variant (Variation ID: 3717114). Invitae Evidence Modeling of protein sequence and biophysical properties (such as structural, functional, and spatial information, amino acid conservation, physicochemical variation, residue mobility, and thermodynamic stability) indicates that this missense variant is not expected to disrupt SIX5 protein function with a negative predictive value of 80%. In summary, the available evidence is currently insufficient to determine the role of this variant in disease. Therefore, it has been classified as a Variant of Uncertain Significance.

NM_175875.5(SIX5):c.1787C>T (p.Pro596Leu)

Gene: SIX5 (SIX homeobox 5; minus strand). Cytogenetic location: 19q13.32.
Variant type: single nucleotide variant.
Coding change: c.1787C>T on transcript NM_175875.5 (MANE Select); coding-DNA position 1787, C replaced by T.
Protein change: p.Pro596Leu; replaces proline 596 with leucine.
Molecular consequence: missense variant.
Genome position (GRCh38, 1-based): chr19:45,765,934, G>A on the plus strand (C>T on the coding strand, the complement: SIX5 is on the minus strand). VCF-style: chr19-45765934-G-A. GRCh37 (hg19) VCF-style: chr19-46269192-G-A.
Other names: short protein forms P596L.
Identifiers: ClinVar variation 3717114 (VCV003717114.2).